The following is an entry in ClinVar:

ClinVar aggregate classification (germline): Pathogenic/Likely pathogenic. Review status: criteria provided, multiple submitters, no conflicts (2 of 4 stars). 2 submissions from 2 submitters: Pathogenic (1); Likely pathogenic (1). Last evaluated 2026-01-01.

Allele frequency attached by ClinVar (database versions not stated): ExAC 0.00003; gnomAD exomes 0.00003; TOPMed 0.00003; gnomAD 0.00004; ESP Exome Variant Server 0.00008.
gnomAD v4.1: 53 of 1,610,146 alleles (0.0033%); highest among the groups gnomAD compares: Non-Finnish European, 0.0036%; no homozygotes.

Submissions (2):

Labcorp Genetics (formerly Invitae), Labcorp
Classification: Pathogenic. Last evaluated: 2026-01-01. Review status: criteria provided, single submitter. Criteria: Invitae Variant Classification Sherloc (09022015). Collection method: clinical testing. Allele origin: germline.
Comment: This sequence change creates a premature translational stop signal (p.Arg1463*) in the FLNB gene. It is expected to result in an absent or disrupted protein product. Loss-of-function variants in FLNB are known to be pathogenic (PMID: 14991055). This variant is present in population databases (rs373821754, gnomAD 0.007%). This variant has not been reported in the literature in individuals affected with FLNB-related conditions. ClinVar contains an entry for this variant (Variation ID: 1904412). For these reasons, this variant has been classified as Pathogenic.

GeneDx
Classification: Likely pathogenic. Last evaluated: 2024-08-05. Review status: criteria provided, single submitter. Criteria: GeneDx Variant Classification Process June 2021. Collection method: clinical testing. Allele origin: germline. Affected: yes.
Comment: Nonsense variant predicted to result in protein truncation or nonsense mediated decay in a gene for which loss of function is a known mechanism of disease; Has not been previously published as pathogenic or benign to our knowledge

Literature cited by the submitters: PubMed 14991055 (cited by Labcorp Genetics (formerly Invitae), Labcorp).

NM_001457.4(FLNB):c.4387C>T (p.Arg1463Ter)

Gene: FLNB (filamin B; plus strand). Cytogenetic location: 3p14.3.
Variant type: single nucleotide variant.
Coding change: c.4387C>T on transcript NM_001457.4 (MANE Select); coding-DNA position 4387, C replaced by T.
Protein change: p.Arg1463Ter; replaces arginine 1463 with a stop codon.
Molecular consequence: nonsense.
Genome position (GRCh38, 1-based): chr3:58,130,905, C>T. VCF-style: chr3-58130905-C-T. GRCh37 (hg19) VCF-style: chr3-58116632-C-T.
Other names: c.4387C>T (NM_001457.3); c.4387C>T, p.Arg1463Ter (NM_001164317.2, NM_001164318.2, NM_001164319.2); short protein forms R1463*.
Identifiers: ClinVar variation 1904412 (VCV001904412.5), dbSNP rs373821754, ClinGen allele CA2468736.